The following is an entry in ClinVar:

ClinVar aggregate classification (germline): Likely benign. Review status: criteria provided, multiple submitters, no conflicts (2 of 4 stars). 2 submissions from 2 submitters: Likely benign (2). Last evaluated 2025-12-25.

Conditions:
Spastic paraplegia. Identifiers: MedGen C0037772, HP:0001258.

gnomAD v4.1: 15 of 1,614,026 alleles (0.00093%); highest among the groups gnomAD compares: Non-Finnish European, 0.0011%; no homozygotes.

Submissions (2):

Labcorp Genetics (formerly Invitae), Labcorp
Classification: Likely benign for Spastic paraplegia. Last evaluated: 2025-12-25. Review status: criteria provided, single submitter. Criteria: Invitae Variant Classification Sherloc (09022015). Collection method: clinical testing. Allele origin: germline.

CeGaT Center for Human Genetics Tuebingen
Classification: Likely benign. Last evaluated: 2024-01-01. Review status: criteria provided, single submitter. Criteria: CeGaT Center For Human Genetics Tuebingen Variant Classification Criteria Version 2. Collection method: clinical testing. Allele origin: germline. Affected: yes. Observed: 1 variant allele.
Comment: FA2H: BP4, BP7

NM_024306.5(FA2H):c.675C>T (p.Leu225=)

Gene: FA2H (fatty acid 2-hydroxylase; minus strand). Cytogenetic location: 16q23.1.
Variant type: single nucleotide variant.
Coding change: c.675C>T on transcript NM_024306.5 (MANE Select); coding-DNA position 675, C replaced by T.
Protein change: p.Leu225=; no amino-acid change (leucine 225 retained).
Molecular consequence: synonymous variant.
Genome position (GRCh38, 1-based): chr16:74,719,099, G>A on the plus strand (C>T on the coding strand, the complement: FA2H is on the minus strand). VCF-style: chr16-74719099-G-A. GRCh37 (hg19) VCF-style: chr16-74752997-G-A.
Identifiers: ClinVar variation 2420316 (VCV002420316.29), dbSNP rs371803211, ClinGen allele CA8170436.